The following is an entry in ClinVar:

ClinVar aggregate classification (germline): Conflicting classifications of pathogenicity. Review status: criteria provided, conflicting classifications (1 of 4 stars). 4 submissions from 4 submitters: Uncertain significance (2); Likely benign (2). Last evaluated 2025-06-04.

Conditions:
Cardiovascular phenotype. Identifiers: MedGen CN230736.
Noonan syndrome 9 (NS9). Identifiers: Orphanet 648, MedGen C4225282, MONDO:0014691, OMIM 616559.

Allele frequency attached by ClinVar (database versions not stated): gnomAD 0.00003 and 0.00004; gnomAD exomes 0.00003; TOPMed 0.00003; ExAC 0.00004.
gnomAD v4.1: 49 of 1,613,980 alleles (0.003%); highest among the groups gnomAD compares: Non-Finnish European, 0.0032%; no homozygotes.

Submissions (4):

Labcorp Genetics (formerly Invitae), Labcorp
Classification: Likely benign for Noonan syndrome 9. Last evaluated: 2025-06-04. Review status: criteria provided, single submitter. Criteria: Invitae Variant Classification Sherloc (09022015). Collection method: clinical testing. Allele origin: germline.

Ambry Genetics
Classification: Uncertain significance for Cardiovascular phenotype. Last evaluated: 2025-02-15. Review status: criteria provided, single submitter. Criteria: Ambry Variant Classification Scheme 2023. Collection method: clinical testing. Allele origin: germline.
Comment: The p.H1301R variant (also known as c.3902A>G), located in coding exon 23 of the SOS2 gene, results from an A to G substitution at nucleotide position 3902. The histidine at codon 1301 is replaced by arginine, an amino acid with highly similar properties. This amino acid position is conserved. In addition, this alteration is predicted to be tolerated by in silico analysis. Since supporting evidence is limited at this time, the clinical significance of this alteration remains unclear.

Blueprint Genetics
Classification: Likely benign. Last evaluated: 2023-01-30. Review status: criteria provided, single submitter. Criteria: ACMG Guidelines, 2015. Collection method: clinical testing. Allele origin: germline.

Genome-Nilou Lab
Classification: Uncertain significance for Noonan syndrome 9. Review status: criteria provided, single submitter. Criteria: ACMG Guidelines, 2015. Collection method: clinical testing. Allele origin: germline.

NM_006939.4(SOS2):c.3902A>G (p.His1301Arg)

Gene: SOS2 (SOS Ras/Rho guanine nucleotide exchange factor 2; minus strand). Cytogenetic location: 14q21.3.
Variant type: single nucleotide variant.
Coding change: c.3902A>G on transcript NM_006939.4 (MANE Select); coding-DNA position 3902, A replaced by G.
Protein change: p.His1301Arg; replaces histidine 1301 with arginine.
Molecular consequence: missense variant.
Genome position (GRCh38, 1-based): chr14:50,118,441, T>C on the plus strand (A>G on the coding strand, the complement: SOS2 is on the minus strand). VCF-style: chr14-50118441-T-C. GRCh37 (hg19) VCF-style: chr14-50585159-T-C.
Other names: short protein forms H1301R.
Identifiers: ClinVar variation 1022639 (VCV001022639.12), dbSNP rs759124324, ClinGen allele CA7176691.